The following is an entry in ClinVar:

NM_014974.3(DIP2C):c.1992-3C>T

Gene: DIP2C (DIP2 acetate--CoA ligase C (putative); minus strand). Cytogenetic location: 10p15.3.
Variant type: single nucleotide variant.
Coding change: c.1992-3C>T on transcript NM_014974.3 (MANE Select); 3 bases into the intron before coding-DNA position 1992, C replaced by T.
Molecular consequence: intron variant.
Genome position (GRCh38, 1-based): chr10:369,636, G>A on the plus strand (C>T on the coding strand, the complement: DIP2C is on the minus strand). VCF-style: chr10-369636-G-A. GRCh37 (hg19) VCF-style: chr10-415576-G-A.
Identifiers: ClinVar variation 1443780 (VCV001443780.7), dbSNP rs543656258, ClinGen allele CA5380615.

ClinVar aggregate classification (germline): Uncertain significance (1 of 4 stars; one submission).

Allele frequency attached by ClinVar (database versions not stated): gnomAD 0.00001 and 0.00002; gnomAD exomes 0.00001 and 0.00004; ExAC 0.00007; 1000 Genomes Project 30x 0.00016; 1000 Genomes Project 0.00020.
gnomAD v4.1: 25 of 1,614,124 alleles (0.0015%); highest among the groups gnomAD compares: East Asian, 0.036%; no homozygotes.

Submissions (2):

Labcorp Genetics (formerly Invitae), Labcorp
Classification: Uncertain significance. Last evaluated: 2025-01-27. Review status: criteria provided, single submitter. Criteria: Invitae Variant Classification Sherloc (09022015). Collection method: clinical testing. Allele origin: germline.
Comment: This sequence change falls in intron 17 of the DIP2C gene. It does not directly change the encoded amino acid sequence of the DIP2C protein. It affects a nucleotide within the consensus splice site. This variant is present in population databases (rs543656258, gnomAD 0.04%). This variant has not been reported in the literature in individuals affected with DIP2C-related conditions. ClinVar contains an entry for this variant (Variation ID: 1443780). Variants that disrupt the consensus splice site are a relatively common cause of aberrant splicing (PMID: 17576681, 9536098). Algorithms developed to predict the effect of sequence changes on RNA splicing suggest that this variant is not likely to affect RNA splicing. In summary, the available evidence is currently insufficient to determine the role of this variant in disease. Therefore, it has been classified as a Variant of Uncertain Significance.

Dr. Peter K. Rogan Lab, Western University
No classification provided (evidence only). Condition: Gastric cancer. Review status: no classification provided. Collection method: in vitro. Allele origin: not applicable. Functional consequence: retained intron. Not counted in ClinVar's aggregate classification.

Literature cited by the submitters: PubMed 17576681 (cited by Labcorp Genetics (formerly Invitae), Labcorp); PubMed 9536098 (cited by Labcorp Genetics (formerly Invitae), Labcorp).